The following is an entry in ClinVar:

ClinVar aggregate classification (germline): Benign/Likely benign. Review status: criteria provided, multiple submitters, no conflicts (2 of 4 stars). 6 submissions from 6 submitters: Benign (2); Likely benign (4). Last evaluated 2026-01-18.

Conditions:
Connective tissue disorder. Also called: Connective tissue disease. Identifiers: MedGen C0009782, MONDO:0003900.
Wolcott-Rallison dysplasia. Also called: MED-IDDM SYNDROME; Wolcott-Rallison syndrome. Identifiers: Orphanet 1667, MedGen C0432217, MONDO:0009192, OMIM 226980.

Allele frequency attached by ClinVar (database versions not stated): ESP Exome Variant Server 0.00008; gnomAD 0.00039 and 0.00063; gnomAD exomes 0.00051 and 0.00114; TOPMed 0.00070; ExAC 0.00106; 1000 Genomes Project 30x 0.00281; 1000 Genomes Project 0.00300.
gnomAD v4.1: 862 of 1,614,186 alleles (0.053%); highest among the groups gnomAD compares: East Asian, 1.7%; 6 homozygotes.

Submissions (6):

Labcorp Genetics (formerly Invitae), Labcorp
Classification: Benign. Last evaluated: 2026-01-18. Review status: criteria provided, single submitter. Criteria: Invitae Variant Classification Sherloc (09022015). Collection method: clinical testing. Allele origin: germline.

Blueprint Genetics
Classification: Likely benign. Last evaluated: 2024-10-31. Review status: criteria provided, single submitter. Criteria: ACMG Guidelines, 2015. Collection method: clinical testing. Allele origin: germline.

Genetic Services Laboratory, University of Chicago
Classification: Likely benign. Last evaluated: 2019-12-20. Review status: criteria provided, single submitter. Criteria: ACMG Guidelines, 2015. Collection method: clinical testing. Allele origin: germline. Affected: no.

Genome Diagnostics Laboratory, The Hospital for Sick Children
Classification: Likely benign for Connective tissue disorder. Last evaluated: 2019-06-01. Review status: criteria provided, single submitter. Criteria: ACMG Guidelines, 2015. Collection method: clinical testing. Allele origin: germline.

Illumina Laboratory Services, Illumina
Classification: Benign for Wolcott-Rallison dysplasia. Last evaluated: 2018-01-13. Review status: criteria provided, single submitter. Criteria: ICSL Variant Classification Criteria 13 December 2019. Collection method: clinical testing. Allele origin: germline.
Comment: This variant was observed in the ICSL laboratory as part of a predisposition screen in an ostensibly healthy population. It had not been previously curated by ICSL or reported in the Human Gene Mutation Database (HGMD: prior to June 1st, 2018), and was therefore a candidate for classification through an automated scoring system. Utilizing variant allele frequency, disease prevalence and penetrance estimates, and inheritance mode, an automated score was calculated to assess if this variant is too frequent to cause the disease. Based on the score and internal cut-off values, a variant classified as benign is not then subjected to further curation. The score for this variant resulted in a classification of benign for this disease.

Breakthrough Genomics
Classification: Likely benign. Review status: criteria provided, single submitter. Criteria: ACMG Guidelines, 2015. Collection method: not provided. Allele origin: germline. Inheritance: Autosomal recessive inheritance. Affected: yes.

NM_004836.7(EIF2AK3):c.2532T>C (p.Ser844=)

Genes: EIF2AK3-AS1 (EIF2AK3 antisense RNA 1; plus strand), EIF2AK3 (eukaryotic translation initiation factor 2 alpha kinase 3; minus strand). Cytogenetic location: 2p11.2.
Variant type: single nucleotide variant.
Coding change: c.2532T>C on transcript NM_004836.7 (MANE Select); coding-DNA position 2532, T replaced by C.
Protein change: p.Ser844=; no amino-acid change (serine 844 retained).
Molecular consequence: synonymous variant. On other transcripts: non-coding transcript variant (1).
Genome position (GRCh38, 1-based): chr2:88,574,951, A>G on the plus strand (T>C on the coding strand, the complement: EIF2AK3 is on the minus strand). VCF-style: chr2-88574951-A-G. GRCh37 (hg19) VCF-style: chr2-88874469-A-G.
Other names: c.2079T>C, p.Ser693= (NM_001313915.2).
Identifiers: ClinVar variation 337401 (VCV000337401.23), dbSNP rs56094918, ClinGen allele CA1754433.
Genomic context (GRCh38, chr2:88,574,951, plus strand): 5'-ACTTAAAGTGGTTGGTCTTGGAGGAGAAATAGACAATGTAGCTTCAGAAGAAGATTTGCT[A>G]CTGGTGGGCTTGAAAGCAGTTAGTTTATTAGCACAATGGTTGCCAATATGCAATCGATTA-3'
Protein context (NP_004827.4, residues 834-854): ANKLTAFKPT[Ser844=]SKSSSEATLS